The following is an entry in ClinVar:

ClinVar aggregate classification (germline): Conflicting classifications of pathogenicity. Review status: criteria provided, conflicting classifications (1 of 4 stars). 2 submissions from 2 submitters: Uncertain significance (1); Likely benign (1). Last evaluated 2026-02-13.

Conditions:
Hereditary cancer-predisposing syndrome. Also called: Neoplastic Syndromes, Hereditary; Tumor predisposition; Hereditary Cancer Syndrome; Hereditary neoplastic syndrome. Identifiers: Orphanet 140162, MedGen C0027672, MeSH D009386, MONDO:0015356.
EGFR-related lung cancer (EGFR). Identifiers: MedGen CN130014.

Allele frequency attached by ClinVar (database versions not stated): TOPMed below 0.00001; gnomAD 0.00001.
gnomAD v4.1: 1 of 1,614,096 alleles (0.000062%); highest among the groups gnomAD compares: Admixed American, 0.0017%; no homozygotes.

Submissions (2):

Ambry Genetics
Classification: Likely benign for Hereditary cancer-predisposing syndrome. Last evaluated: 2026-02-13. Review status: criteria provided, single submitter. Criteria: Ambry Variant Classification Scheme 2023. Collection method: clinical testing. Allele origin: germline.

Labcorp Genetics (formerly Invitae), Labcorp
Classification: Uncertain significance for EGFR-related lung cancer. Last evaluated: 2024-07-08. Review status: criteria provided, single submitter. Criteria: Invitae Variant Classification Sherloc (09022015). Collection method: clinical testing. Allele origin: germline.
Comment: This sequence change replaces glutamic acid, which is acidic and polar, with alanine, which is neutral and non-polar, at codon 513 of the EGFR protein (p.Glu513Ala). This variant is not present in population databases (gnomAD no frequency). This variant has not been reported in the literature in individuals affected with EGFR-related conditions. ClinVar contains an entry for this variant (Variation ID: 1480060). Advanced modeling of protein sequence and biophysical properties (such as structural, functional, and spatial information, amino acid conservation, physicochemical variation, residue mobility, and thermodynamic stability) performed at Invitae indicates that this missense variant is not expected to disrupt EGFR protein function with a negative predictive value of 80%. In summary, the available evidence is currently insufficient to determine the role of this variant in disease. Therefore, it has been classified as a Variant of Uncertain Significance.

NM_005228.5(EGFR):c.1538A>C (p.Glu513Ala)

Gene: EGFR (epidermal growth factor receptor; plus strand). Cytogenetic location: 7p11.2.
Variant type: single nucleotide variant.
Coding change: c.1538A>C on transcript NM_005228.5 (MANE Select); coding-DNA position 1538, A replaced by C.
Protein change: p.Glu513Ala; replaces glutamic acid 513 with alanine.
Molecular consequence: missense variant.
Genome position (GRCh38, 1-based): chr7:55,161,538, A>C. VCF-style: chr7-55161538-A-C. GRCh37 (hg19) VCF-style: chr7-55229231-A-C.
Other names: c.1403A>C, p.Glu468Ala (NM_001346897.2, NM_001346899.2); c.1538A>C, p.Glu513Ala (NM_001346898.2, NM_201282.2, NM_201284.2); c.1379A>C, p.Glu460Ala (NM_001346900.2); c.737A>C, p.Glu246Ala (NM_001346941.2); c.1538A>C (NM_005228.3); short protein forms E460A, E468A, E513A, E246A.
Identifiers: ClinVar variation 1480060 (VCV001480060.9), dbSNP rs1339627647, ClinGen allele CA367579844.